The following is an entry in ClinVar:

ClinVar aggregate classification (germline): Uncertain significance. Review status: criteria provided, multiple submitters, no conflicts (2 of 4 stars). 2 submissions from 2 submitters: Uncertain significance (2). Last evaluated 2026-03-10.

Conditions:
Inborn genetic diseases. Identifiers: MedGen C0950123, MeSH D030342.

Allele frequency attached by ClinVar (database versions not stated): gnomAD exomes below 0.00001; gnomAD 0.00001; TOPMed 0.00001.
gnomAD v4.1: 34 of 1,614,096 alleles (0.0021%); highest among the groups gnomAD compares: Non-Finnish European, 0.0027%; no homozygotes.

Submissions (2):

Ambry Genetics
Classification: Uncertain significance for Inborn genetic diseases. Last evaluated: 2026-03-10. Review status: criteria provided, single submitter. Criteria: Ambry Variant Classification Scheme 2023. Collection method: clinical testing. Allele origin: germline.

Labcorp Genetics (formerly Invitae), Labcorp
Classification: Uncertain significance. Last evaluated: 2022-05-16. Review status: criteria provided, single submitter. Criteria: Invitae Variant Classification Sherloc (09022015). Collection method: clinical testing. Allele origin: germline.
Comment: This sequence change replaces threonine, which is neutral and polar, with methionine, which is neutral and non-polar, at codon 112 of the COL18A1 protein (p.Thr112Met). This variant is present in population databases (no rsID available, gnomAD 0.0009%). This variant has not been reported in the literature in individuals affected with COL18A1-related conditions. Experimental studies and prediction algorithms are not available or were not evaluated, and the functional significance of this variant is currently unknown. In summary, the available evidence is currently insufficient to determine the role of this variant in disease. Therefore, it has been classified as a Variant of Uncertain Significance.

NM_001379500.1(COL18A1):c.335C>T (p.Thr112Met)

Gene: COL18A1 (collagen type XVIII alpha 1 chain; plus strand). Cytogenetic location: 21q22.3.
Variant type: single nucleotide variant.
Coding change: c.335C>T on transcript NM_001379500.1 (MANE Select); coding-DNA position 335, C replaced by T.
Protein change: p.Thr112Met; replaces threonine 112 with methionine.
Molecular consequence: missense variant.
Genome position (GRCh38, 1-based): chr21:45,468,470, C>T. VCF-style: chr21-45468470-C-T. GRCh37 (hg19) VCF-style: chr21-46888384-C-T.
Other names: NM_130445.2:c.335C>T; c.875C>T, p.Thr292Met (NM_030582.4); c.1580C>T, p.Thr527Met (NM_130444.3); short protein forms T292M, T527M, T112M.
Identifiers: ClinVar variation 1472658 (VCV001472658.4), dbSNP rs990338525, ClinGen allele CA321906075.